The following is an entry in ClinVar:

NM_001010874.5(TECRL):c.675G>A (p.Trp225Ter)

Gene: TECRL (trans-2,3-enoyl-CoA reductase like; minus strand). Cytogenetic location: 4q13.1.
Variant type: single nucleotide variant.
Coding change: c.675G>A on transcript NM_001010874.5 (MANE Select); coding-DNA position 675, G replaced by A.
Protein change: p.Trp225Ter; replaces tryptophan 225 with a stop codon.
Molecular consequence: nonsense.
Genome position (GRCh38, 1-based): chr4:64,305,221, C>T on the plus strand (G>A on the coding strand, the complement: TECRL is on the minus strand). VCF-style: chr4-64305221-C-T. GRCh37 (hg19) VCF-style: chr4-65170939-C-T.
Other names: c.675G>A, p.Trp225Ter (NM_001363796.1); short protein forms W225*.
Identifiers: ClinVar variation 1755289 (VCV001755289.4), dbSNP rs200472348, ClinGen allele CA98615976.

ClinVar aggregate classification (germline): Pathogenic. Review status: criteria provided, multiple submitters, no conflicts (2 of 4 stars). 2 submissions from 2 submitters: Pathogenic (2). Last evaluated 2024-09-20.

Conditions:
Cardiovascular phenotype. Identifiers: MedGen CN230736.
Catecholaminergic polymorphic ventricular tachycardia 3. Identifiers: Orphanet 3286, MedGen C3151463, MONDO:0013529, OMIM 614021.

Allele frequency attached by ClinVar (database versions not stated): TOPMed below 0.00001; gnomAD 0.00001; gnomAD exomes 0.00001.
gnomAD v4.1: 19 of 1,612,178 alleles (0.0012%); highest among the groups gnomAD compares: Non-Finnish European, 0.0016%; no homozygotes.

Submissions (2):

Victorian Clinical Genetics Services, Murdoch Childrens Research Institute
Classification: Pathogenic for Catecholaminergic polymorphic ventricular tachycardia 3. Last evaluated: 2024-09-20. Review status: criteria provided, single submitter. Criteria: ACMG Guidelines, 2015. Collection method: clinical testing. Allele origin: germline. Inheritance: Autosomal recessive inheritance. Affected: yes.
Comment: Based on the classification scheme VCGS_Germline_v1.3.4, this variant is classified as Pathogenic. Following criteria are met: 0102 - Loss of function is a known mechanism of disease in this gene and is associated with catecholaminergic polymorphic ventricular tachycardia 3 (MIM#614021). (I) 0106 - This gene is associated with autosomal recessive disease. (I) 0115 - Variants in this gene are known to have variable expressivity. This gene has been described to be associated with overlapping clinical features of both long QT syndrome and CPVT (PMID: 27861123). (I) 0201 - Variant is predicted to cause nonsense-mediated decay (NMD) and loss of protein (premature termination codon is located at least 54 nucleotides upstream of the final exon-exon junction). (SP) 0251 - This variant is heterozygous. (I) 0304 - Variant is present in gnomAD (v2) <0.01 for a recessive condition (2 heterozygotes, 0 homozygotes). (SP) 0701 - Other NMD predicted variants comparable to the one identified in this case have very strong previous evidence for pathogenicity (DECIPHER, PMID: 32173957). (SP) 0803 - This variant has limited previous evidence of pathogenicity in an unrelated individual. This variant has been classified as pathogenic by a clinical laboratory in ClinVar. (SP) 0905 - No published segregation evidence has been identified for this variant. (I) 1007 - No published functional evidence has been identified for this variant. (I) 1208 - Inheritance information for this variant is not currently available in this individual. (I) Legend: (SP) - Supporting pathogenic, (I) - Information, (SB) - Supporting benign

Ambry Genetics
Classification: Pathogenic for Cardiovascular phenotype. Last evaluated: 2022-02-20. Review status: criteria provided, single submitter. Criteria: Ambry Variant Classification Scheme 2023. Collection method: clinical testing. Allele origin: germline.
Comment: The p.W225* pathogenic mutation (also known as c.675G>A), located in coding exon 7 of the TECRL gene, results from a G to A substitution at nucleotide position 675. This changes the amino acid from a tryptophan to a stop codon within coding exon 7. This alteration is expected to result in loss of function by premature protein truncation or nonsense-mediated mRNA decay. As such, this alteration is interpreted as a disease-causing mutation.

Literature cited by the submitters: PubMed 27861123 (cited by Victorian Clinical Genetics Services, Murdoch Childrens Research Institute); PubMed 32173957 (cited by Victorian Clinical Genetics Services, Murdoch Childrens Research Institute).